The following is an entry in ClinVar:

ClinVar aggregate classification (germline): Benign/Likely benign. Review status: criteria provided, multiple submitters, no conflicts (2 of 4 stars). 3 submissions from 3 submitters: Benign (1); Likely benign (2). Last evaluated 2026-01-28.

Conditions:
Cardiovascular phenotype. Identifiers: MedGen CN230736.
Dilated cardiomyopathy 1O (CMD1O). Also called: CARDIOMYOPATHY, DILATED, WITH VENTRICULAR TACHYCARDIA. Identifiers: Orphanet 154, MedGen C1837839, MONDO:0012062, OMIM 608569.

Allele frequency attached by ClinVar (database versions not stated): gnomAD 0.00001; gnomAD exomes 0.00003 and 0.00006; ESP Exome Variant Server 0.00008; TOPMed 0.00003; ExAC 0.00004.
gnomAD v4.1: 42 of 1,612,218 alleles (0.0026%); highest among the groups gnomAD compares: East Asian, 0.013%; no homozygotes.

Submissions (3):

Labcorp Genetics (formerly Invitae), Labcorp
Classification: Likely benign for Dilated cardiomyopathy 1O. Last evaluated: 2026-01-28. Review status: criteria provided, single submitter. Criteria: Invitae Variant Classification Sherloc (09022015). Collection method: clinical testing. Allele origin: germline.

Ambry Genetics
Classification: Likely benign for Cardiovascular phenotype. Last evaluated: 2020-01-09. Review status: criteria provided, single submitter. Criteria: Ambry Variant Classification Scheme 2023. Collection method: clinical testing. Allele origin: germline.

Women's Health and Genetics/Laboratory Corporation of America, LabCorp
Classification: Benign. Last evaluated: 2019-05-28. Review status: criteria provided, single submitter. Criteria: LabCorp Variant Classification Summary - May 2015. Collection method: clinical testing. Allele origin: germline.
Comment: Variant summary: ABCC9 c.1050C>T alters a non-conserved nucleotide resulting in a synonymous change. 5/5 computational tools predict no significant impact on normal splicing. However, these predictions have yet to be confirmed by functional studies. The variant allele was found at a frequency of 6e-05 in 250832 control chromosomes, which is 2.4-folds higher than the estimated maximal expected allele frequency for a pathogenic ABCC9 variant. The observed variant frequency within East Asian control individuals of 0.00049 is approximately 20-folds higher than the estimated maximal expected allele frequency for a pathogenic variant in ABCC9 causing Cardiomyopathy phenotype (2.5e-05), strongly suggesting that the variant is a benign polymorphism found primarily in populations of East Asian origin. No clinical diagnostic laboratories have submitted clinical-significance assessments for this variant to ClinVar after 2014. Based on the evidence outlined above, the variant was classified as benign.

NM_020297.4(ABCC9):c.1050C>T (p.Asn350=)

Gene: ABCC9 (ATP binding cassette subfamily C member 9; minus strand). Cytogenetic location: 12p12.1.
Variant type: single nucleotide variant.
Coding change: c.1050C>T on transcript NM_020297.4 (MANE Select); coding-DNA position 1050, C replaced by T.
Protein change: p.Asn350=; no amino-acid change (asparagine 350 retained).
Molecular consequence: synonymous variant.
Genome position (GRCh38, 1-based): chr12:21,910,940, G>A on the plus strand (C>T on the coding strand, the complement: ABCC9 is on the minus strand). VCF-style: chr12-21910940-G-A. GRCh37 (hg19) VCF-style: chr12-22063874-G-A.
Other names: c.1050C>T, p.Asn350= (NM_001377273.1, NM_005691.4); c.186C>T, p.Asn62= (NM_001377274.1).
Identifiers: ClinVar variation 928909 (VCV000928909.10), dbSNP rs143373045, ClinGen allele CA6481737.